The following is an entry in ClinVar:

ClinVar aggregate classification (germline): Conflicting classifications of pathogenicity. Review status: criteria provided, conflicting classifications (1 of 4 stars). 4 submissions from 4 submitters: Uncertain significance (1); Likely benign (3). Last evaluated 2024-04-05.

Allele frequency attached by ClinVar (database versions not stated): gnomAD 0.00099 and 0.00107; TOPMed 0.00102; 1000 Genomes Project 0.00140; gnomAD exomes 0.00007 and 0.00022; ExAC 0.00028; ESP Exome Variant Server 0.00110; 1000 Genomes Project 30x 0.00156.
gnomAD v4.1: 255 of 1,613,416 alleles (0.016%); highest among the groups gnomAD compares: African/African-American, 0.32%; no homozygotes.

Submissions (4):

Women's Health and Genetics/Laboratory Corporation of America, LabCorp
Classification: Uncertain significance. Last evaluated: 2024-04-05. Review status: criteria provided, single submitter. Criteria: LabCorp Variant Classification Summary - May 2015. Collection method: clinical testing. Allele origin: germline.
Comment: Variant summary: KNL1 c.575T>C (p.Leu192Ser) results in a non-conservative amino acid change in the encoded protein sequence. Four of five in-silico tools predict a benign effect of the variant on protein function. The variant allele was found at a frequency of 0.00022 in 248928 control chromosomes. To our knowledge, no occurrence of c.575T>C in individuals affected with Microcephaly 4, Primary, Autosomal Recessive and no experimental evidence demonstrating its impact on protein function have been reported. ClinVar contains an entry for this variant (Variation ID: 785483). Based on the evidence outlined above, the variant was classified as uncertain significance.

GeneDx
Classification: Likely benign. Last evaluated: 2021-01-22. Review status: criteria provided, single submitter. Criteria: GeneDx Variant Classification Process June 2021. Collection method: clinical testing. Allele origin: germline. Affected: yes.

Labcorp Genetics (formerly Invitae), Labcorp
Classification: Likely benign. Last evaluated: 2019-12-31. Review status: criteria provided, single submitter. Criteria: Invitae Variant Classification Sherloc (09022015). Collection method: clinical testing. Allele origin: germline.

Breakthrough Genomics
Classification: Likely benign. Review status: criteria provided, single submitter. Criteria: ACMG Guidelines, 2015. Collection method: not provided. Allele origin: germline. Inheritance: Autosomal recessive inheritance. Affected: yes.

NM_144508.5(KNL1):c.497T>C (p.Leu166Ser)

Gene: KNL1 (kinetochore scaffold 1; plus strand). Cytogenetic location: 15q15.1.
Variant type: single nucleotide variant.
Coding change: c.497T>C on transcript NM_144508.5 (MANE Select); coding-DNA position 497, T replaced by C.
Protein change: p.Leu166Ser; replaces leucine 166 with serine.
Molecular consequence: missense variant.
Genome position (GRCh38, 1-based): chr15:40,620,761, T>C. VCF-style: chr15-40620761-T-C. GRCh37 (hg19) VCF-style: chr15-40912959-T-C.
Other names: c.575T>C, p.Leu192Ser (NM_170589.5); short protein forms L192S, L166S.
Identifiers: ClinVar variation 785483 (VCV000785483.8), dbSNP rs7169142, ClinGen allele CA7482524.